The following is an entry in ClinVar:

NM_024675.4(PALB2):c.1819C>A (p.Leu607Ile)

Gene: PALB2 (partner and localizer of BRCA2; minus strand). Cytogenetic location: 16p12.2.
Variant type: single nucleotide variant.
Coding change: c.1819C>A on transcript NM_024675.4 (MANE Select); coding-DNA position 1819, C replaced by A.
Protein change: p.Leu607Ile; replaces leucine 607 with isoleucine.
Molecular consequence: missense variant.
Genome position (GRCh38, 1-based): chr16:23,630,335, G>T on the plus strand (C>A on the coding strand, the complement: PALB2 is on the minus strand). VCF-style: chr16-23630335-G-T. GRCh37 (hg19) VCF-style: chr16-23641656-G-T.
Other names: short protein forms L607I.
Identifiers: ClinVar variation 575726 (VCV000575726.9), dbSNP rs1567218740, ClinGen allele CA395127972.
Genomic context (GRCh38, chr16:23,630,335, plus strand): 5'-CTTTTTCAAGCTTAAGAGGTCCAAAGTCTTCATCAGGTAACTGAAAGTCTGTGATACTGA[G>T]AAAAGACAGTAGTTGCTTTAAACTCAGCATTCCATCCCTATGAAATGGAGCCGTGAAAGC-3'
Protein context (NP_078951.2, residues 597-617): MLSLKQLLSF[Leu607Ile]SITDFQLPDE

ClinVar aggregate classification (germline): Uncertain significance (1 of 4 stars; one submission).

Conditions:
Familial cancer of breast. Also called: hereditary breast carcinoma; BREAST CANCER, FAMILIAL; Hereditary breast cancer. Identifiers: Orphanet 227535, MedGen C0346153, MONDO:0016419, OMIM 114480. Disease mechanism: loss of function.

Submission:

Labcorp Genetics (formerly Invitae), Labcorp
Classification: Uncertain significance for Familial cancer of breast. Last evaluated: 2018-04-12. Review status: criteria provided, single submitter. Criteria: Invitae Variant Classification Sherloc (09022015). Collection method: clinical testing. Allele origin: germline.
Comment: This sequence change replaces leucine with isoleucine at codon 607 of the PALB2 protein (p.Leu607Ile). The leucine residue is moderately conserved and there is a small physicochemical difference between leucine and isoleucine. This variant is not present in population databases (ExAC no frequency). This variant has not been reported in the literature in individuals with PALB2-related disease. Algorithms developed to predict the effect of missense changes on protein structure and function output the following: SIFT: "Tolerated"; PolyPhen-2: "Benign"; Align-GVGD: "Class C0". The isoleucine amino acid residue is found in multiple mammalian species, suggesting that this missense change does not adversely affect protein function. These predictions have not been confirmed by published functional studies and their clinical significance is uncertain. In summary, the available evidence is currently insufficient to determine the role of this variant in disease. Therefore, it has been classified as a Variant of Uncertain Significance.